The following is an entry in ClinVar:

NM_001365999.1(SZT2):c.2317C>G (p.Pro773Ala)

Gene: SZT2 (SZT2 subunit of KICSTOR complex; plus strand). Cytogenetic location: 1p34.2.
Variant type: single nucleotide variant.
Coding change: c.2317C>G on transcript NM_001365999.1 (MANE Select); coding-DNA position 2317, C replaced by G.
Protein change: p.Pro773Ala; replaces proline 773 with alanine.
Molecular consequence: missense variant.
Genome position (GRCh38, 1-based): chr1:43,424,278, C>G. VCF-style: chr1-43424278-C-G. GRCh37 (hg19) VCF-style: chr1-43889949-C-G.
Other names: c.2317C>G, p.Pro773Ala (NM_015284.4); short protein forms P773A.
Identifiers: ClinVar variation 1376813 (VCV001376813.8), dbSNP rs1330432362, ClinGen allele CA340012332.
Genomic context (GRCh38, chr1:43,424,278, plus strand): 5'-TATGAGAAGCTGCCCTTGGACTACCGGGCACCCTTCTTGCTGACATTGGAGCCACCAGGT[C>G]CACTGCCCTTGGTGTCAGGCCGCTCAGCCTCTTCTAGCCTGGCGTCACTGTCCCGCTACC-3'
Protein context (NP_001352928.1, residues 763-783): PFLLTLEPPG[Pro773Ala]LPLVSGRSAS

ClinVar aggregate classification (germline): Uncertain significance (1 of 4 stars; one submission).

Allele frequency attached by ClinVar (database versions not stated): gnomAD 0.00001; TOPMed 0.00001.

Submission:

Labcorp Genetics (formerly Invitae), Labcorp
Classification: Uncertain significance. Last evaluated: 2024-08-05. Review status: criteria provided, single submitter. Criteria: Invitae Variant Classification Sherloc (09022015). Collection method: clinical testing. Allele origin: germline.
Comment: This sequence change replaces proline, which is neutral and non-polar, with alanine, which is neutral and non-polar, at codon 773 of the SZT2 protein (p.Pro773Ala). This variant is not present in population databases (gnomAD no frequency). This variant has not been reported in the literature in individuals affected with SZT2-related conditions. ClinVar contains an entry for this variant (Variation ID: 1376813). Advanced modeling of protein sequence and biophysical properties (such as structural, functional, and spatial information, amino acid conservation, physicochemical variation, residue mobility, and thermodynamic stability) performed at Invitae indicates that this missense variant is not expected to disrupt SZT2 protein function with a negative predictive value of 80%. In summary, the available evidence is currently insufficient to determine the role of this variant in disease. Therefore, it has been classified as a Variant of Uncertain Significance.